The following is an entry in ClinVar:

ClinVar aggregate classification (germline): Pathogenic (1 of 4 stars; one submission).

Conditions:
Gorlin syndrome. Also called: Basal cell nevus syndrome; Nevoid Basal Cell Carcinoma Syndrome. Identifiers: Orphanet 377, MedGen C0004779, MONDO:0007187.

Submission:

Labcorp Genetics (formerly Invitae), Labcorp
Classification: Pathogenic for Gorlin syndrome. Last evaluated: 2020-06-02. Review status: criteria provided, single submitter. Criteria: Invitae Variant Classification Sherloc (09022015). Collection method: clinical testing. Allele origin: germline.
Comment: This sequence change creates a premature translational stop signal (p.Phe826Serfs*4) in the PTCH1 gene. It is expected to result in an absent or disrupted protein product. This variant is not present in population databases (ExAC no frequency). This variant has not been reported in the literature in individuals with PTCH1-related conditions. Loss-of-function variants in PTCH1 are known to be pathogenic (PMID: 16301862, 16419085). For these reasons, this variant has been classified as Pathogenic.

Literature cited by the submitters: PubMed 16301862; PubMed 16419085.

NM_000264.5(PTCH1):c.2477del (p.Phe826fs)

Genes: PTCH1 (patched 1; minus strand), LOC100507346 (uncharacterized LOC100507346; plus strand). Cytogenetic location: 9q22.32.
Variant type: Deletion.
Coding change: c.2477del on transcript NM_000264.5 (MANE Select); coding-DNA position 2477, one base deleted (T; older notation c.2477delT).
Protein change: p.Phe826fs; shifts the reading frame from phenylalanine 826.
Molecular consequence: frameshift variant. On other transcripts: non-coding transcript variant (2).
Genome position (GRCh38, 1-based): chr9:95,467,199, A deleted on the plus strand (T on the coding strand, the reverse complement: PTCH1 is on the minus strand); the first of 3 consecutive A bases (chr9:95,467,199-95,467,201); deleting any one gives the same sequence. VCF-style (leftmost placement, unchanged base first): chr9-95467198-GA-G. GRCh37 (hg19) VCF-style: chr9-98229480-GA-G.
Other names: c.2279del, p.Phe760fs (NM_001083602.3); c.2474del, p.Phe825fs (NM_001083603.3); c.2024del, p.Phe675fs (NM_001083604.3, NM_001083605.3, NM_001083606.3 and 1 more transcripts); c.2321del, p.Phe774fs (NM_001354918.2); short protein forms F675fs, F760fs, F774fs, F825fs, F826fs.
Identifiers: ClinVar variation 1074462 (VCV001074462.7), dbSNP rs2117954271, ClinGen allele CA466351968.